The following is an entry in ClinVar:

NM_001083961.2(WDR62):c.989A>T (p.Asn330Ile)

Gene: WDR62 (WD repeat domain 62; plus strand). Cytogenetic location: 19q13.12.
Variant type: single nucleotide variant.
Coding change: c.989A>T on transcript NM_001083961.2 (MANE Select); coding-DNA position 989, A replaced by T.
Protein change: p.Asn330Ile; replaces asparagine 330 with isoleucine.
Molecular consequence: missense variant. On other transcripts: intron variant (1).
Genome position (GRCh38, 1-based): chr19:36,071,662, A>T. VCF-style: chr19-36071662-A-T. GRCh37 (hg19) VCF-style: chr19-36562564-A-T.
Other names: c.989A>T, p.Asn330Ile (NM_001411145.1, NM_001411146.1, NM_173636.5); c.882+3652A>T (NM_001411147.1); short protein forms N330I.
Identifiers: ClinVar variation 4681051 (VCV004681051.1).
Genomic context (GRCh38, chr19:36,071,662, plus strand): 5'-GTGGCTGCACAGATGGGATAGTCCGCATCTTCCAGGCCCATAGCCTGCACTACCTCGCCA[A>T]CCTGCCCAAGCCACACTACCTTGGGGTAGACGTGGCACAGGGCCTGGAGCCCAGGTACTG-3'
Protein context (NP_001077430.1, residues 320-340): FQAHSLHYLA[Asn330Ile]LPKPHYLGVD

ClinVar aggregate classification (germline): Uncertain significance (1 of 4 stars; one submission).

gnomAD v4.1: 8 of 1,614,190 alleles (0.0005%); highest among the groups gnomAD compares: Non-Finnish European, 0.00068%; no homozygotes.

Submission:

GeneDx
Classification: Uncertain significance. Last evaluated: 2025-07-01. Review status: criteria provided, single submitter. Criteria: GeneDx Variant Classification Process June 2021. Collection method: clinical testing. Allele origin: germline. Affected: yes.
Comment: Not observed at significant frequency in large population cohorts (gnomAD); In silico analysis supports that this missense variant has a deleterious effect on protein structure/function; Has not been previously published as pathogenic or benign to our knowledge